The following is an entry in ClinVar:

ClinVar aggregate classification (germline): Conflicting classifications of pathogenicity. Review status: criteria provided, conflicting classifications (1 of 4 stars). 3 submissions from 3 submitters: Uncertain significance (2); Likely benign (1). Last evaluated 2025-02-09.

Conditions:
Familial hypobetalipoproteinemia 1. Also called: APOB-Related Familial Hypobetalipoproteinemia; Hypobetalipoproteinemia, normotriglyceridemic; Acanthocytosis with hypobetalipoproteinemia. Identifiers: MedGen C4551990, MONDO:0014252, OMIM 615558.
Hypercholesterolemia, autosomal dominant, type B (FHCL2). Also called: Hyperlipoproteinemia Type IIb; Familial hypercholesterolemia 2; Familial Hypercholesterolemia Type B; APOLIPOPROTEIN B-100, FAMILIAL DEFECTIVE; APOLIPOPROTEIN B-100, FAMILIAL LIGAND-DEFECTIVE; HYPERCHOLESTEROLEMIA, FAMILIAL, DUE TO LIGAND-DEFECTIVE APOLIPOPROTEIN B. Identifiers: MedGen C1704417, MONDO:0007751, OMIM 144010.
Cardiovascular phenotype. Identifiers: MedGen CN230736.

Allele frequency attached by ClinVar (database versions not stated): gnomAD 0.00001; TOPMed 0.00005.
gnomAD v4.1: 4 of 1,614,100 alleles (0.00025%); highest among the groups gnomAD compares: Admixed American, 0.0017%; no homozygotes.

Submissions (3):

Ambry Genetics
Classification: Uncertain significance for Cardiovascular phenotype. Last evaluated: 2025-02-09. Review status: criteria provided, single submitter. Criteria: Ambry Variant Classification Scheme 2023. Collection method: clinical testing. Allele origin: germline.
Comment: The p.P405T variant (also known as c.1213C>A), located in coding exon 10 of the APOB gene, results from a C to A substitution at nucleotide position 1213. The proline at codon 405 is replaced by threonine, an amino acid with highly similar properties. This amino acid position is conserved. In addition, this alteration is predicted to be tolerated by in silico analysis. Since supporting evidence is limited at this time, the clinical significance of this alteration remains unclear.

Labcorp Genetics (formerly Invitae), Labcorp
Classification: Likely benign for Familial hypobetalipoproteinemia 1; Hypercholesterolemia, autosomal dominant, type B. Last evaluated: 2024-05-02. Review status: criteria provided, single submitter. Criteria: Invitae Variant Classification Sherloc (09022015). Collection method: clinical testing. Allele origin: germline.

Quest Diagnostics Nichols Institute San Juan Capistrano
Classification: Uncertain significance. Last evaluated: 2023-12-21. Review status: criteria provided, single submitter. Criteria: Quest Diagnostics criteria. Collection method: clinical testing. Allele origin: unknown.
Comment: The APOB c.1213C>A (p.Pro405Thr) variant has not been reported in individuals with APOB-related conditions in the published literature. The frequency of this variant in the general population, 0.000008 (2/251422 chromosomes (Genome Aggregation Database)), is uninformative in the assessment of its pathogenicity. Analysis of this variant using bioinformatics tools for the prediction of the effect of amino acid changes on protein structure and function yielded conflicting predictions that this variant is benign or damaging. Based on the available information, we are unable to determine the clinical significance of this variant.

NM_000384.3(APOB):c.1213C>A (p.Pro405Thr)

Gene: APOB (apolipoprotein B; minus strand). Cytogenetic location: 2p24.1.
Variant type: single nucleotide variant.
Coding change: c.1213C>A on transcript NM_000384.3 (MANE Select); coding-DNA position 1213, C replaced by A.
Protein change: p.Pro405Thr; replaces proline 405 with threonine.
Molecular consequence: missense variant.
Genome position (GRCh38, 1-based): chr2:21,032,493, G>T on the plus strand (C>A on the coding strand, the complement: APOB is on the minus strand). VCF-style: chr2-21032493-G-T. GRCh37 (hg19) VCF-style: chr2-21255365-G-T.
Other names: short protein forms P405T.
Identifiers: ClinVar variation 1750921 (VCV001750921.11), dbSNP rs61745113, ClinGen allele CA43460340.